The following is an entry in ClinVar:

ClinVar aggregate classification (germline): Uncertain significance (1 of 4 stars; one submission).

Conditions:
Congenital contractural arachnodactyly (CCA). Also called: BEALS SYNDROME; Beals-Hecht syndrome; Arthrogryposis, distal, type 9. Identifiers: Orphanet 115, MedGen C0220668, MONDO:0007363, OMIM 121050.

Allele frequency attached by ClinVar (database versions not stated): TOPMed below 0.00001.

Submission:

Labcorp Genetics (formerly Invitae), Labcorp
Classification: Uncertain significance for Congenital contractural arachnodactyly. Last evaluated: 2025-06-03. Review status: criteria provided, single submitter. Criteria: Invitae Variant Classification Sherloc (09022015). Collection method: clinical testing. Allele origin: germline.
Comment: This sequence change replaces alanine, which is neutral and non-polar, with valine, which is neutral and non-polar, at codon 69 of the FBN2 protein (p.Ala69Val). This variant is not present in population databases (gnomAD no frequency). This variant has not been reported in the literature in individuals affected with FBN2-related conditions. ClinVar contains an entry for this variant (Variation ID: 1392164). Invitae Evidence Modeling of protein sequence and biophysical properties (such as structural, functional, and spatial information, amino acid conservation, physicochemical variation, residue mobility, and thermodynamic stability) indicates that this missense variant is not expected to disrupt FBN2 protein function with a negative predictive value of 80%. In summary, the available evidence is currently insufficient to determine the role of this variant in disease. Therefore, it has been classified as a Variant of Uncertain Significance.

NM_001999.4(FBN2):c.206C>T (p.Ala69Val)

Gene: FBN2 (fibrillin 2; minus strand). Cytogenetic location: 5q23.3.
Variant type: single nucleotide variant.
Coding change: c.206C>T on transcript NM_001999.4 (MANE Select); coding-DNA position 206, C replaced by T.
Protein change: p.Ala69Val; replaces alanine 69 with valine.
Molecular consequence: missense variant.
Genome position (GRCh38, 1-based): chr5:128,537,398, G>A on the plus strand (C>T on the coding strand, the complement: FBN2 is on the minus strand). VCF-style: chr5-128537398-G-A. GRCh37 (hg19) VCF-style: chr5-127873091-G-A.
Other names: short protein forms A69V.
Identifiers: ClinVar variation 1392164 (VCV001392164.8), dbSNP rs1756883252, ClinGen allele CA360762054.